The following is an entry in ClinVar:

NM_000222.3(KIT):c.1008A>G (p.Glu336=)

Gene: KIT (KIT proto-oncogene, receptor tyrosine kinase; plus strand). Cytogenetic location: 4q12.
Variant type: single nucleotide variant.
Coding change: c.1008A>G on transcript NM_000222.3 (MANE Select); coding-DNA position 1008, A replaced by G.
Protein change: p.Glu336=; no amino-acid change (glutamic acid 336 retained).
Molecular consequence: synonymous variant.
Genome position (GRCh38, 1-based): chr4:54,707,180, A>G. VCF-style: chr4-54707180-A-G. GRCh37 (hg19) VCF-style: chr4-55573346-A-G.
Other names: c.1008A>G, p.Glu336= (NM_001093772.2, NM_001385285.1, NM_001385286.1); c.1011A>G, p.Glu337= (NM_001385284.1, NM_001385288.1, NM_001385290.1 and 1 more transcripts).
Identifiers: ClinVar variation 1346734 (VCV001346734.30), dbSNP rs1720841718, ClinGen allele CA439288613.

ClinVar aggregate classification (germline): Likely benign. Review status: criteria provided, multiple submitters, no conflicts (2 of 4 stars). 3 submissions from 3 submitters: Likely benign (3). Last evaluated 2024-11-24.

Conditions:
Hereditary cancer-predisposing syndrome. Also called: Hereditary Cancer Syndrome; Tumor predisposition; Neoplastic Syndromes, Hereditary; Hereditary neoplastic syndrome. Identifiers: Orphanet 140162, MedGen C0027672, MeSH D009386, MONDO:0015356.
Gastrointestinal stromal tumor. Also called: Gastrointestinal stromal tumor, somatic; Gastrointestinal stroma tumor. Identifiers: Orphanet 44890, MedGen C0238198, MeSH D046152, MONDO:0011719, OMIM 606764, HP:0100723.

Allele frequency attached by ClinVar (database versions not stated): gnomAD exomes below 0.00001.
gnomAD v4.1: 2 of 1,597,400 alleles (0.00013%); highest among the groups gnomAD compares: Non-Finnish European, 0.00017%; no homozygotes.

Submissions (3):

Labcorp Genetics (formerly Invitae), Labcorp
Classification: Likely benign for Gastrointestinal stromal tumor. Last evaluated: 2024-11-24. Review status: criteria provided, single submitter. Criteria: Invitae Variant Classification Sherloc (09022015). Collection method: clinical testing. Allele origin: germline.

CeGaT Center for Human Genetics Tuebingen
Classification: Likely benign. Last evaluated: 2024-02-01. Review status: criteria provided, single submitter. Criteria: CeGaT Center For Human Genetics Tuebingen Variant Classification Criteria Version 2. Collection method: clinical testing. Allele origin: germline. Affected: yes. Observed: 1 variant allele.
Comment: KIT: PM2:Supporting, BP4, BP7

Ambry Genetics
Classification: Likely benign for Hereditary cancer-predisposing syndrome. Last evaluated: 2022-09-13. Review status: criteria provided, single submitter. Criteria: Ambry Variant Classification Scheme 2023. Collection method: clinical testing. Allele origin: germline.